The following is an entry in ClinVar:

NM_000350.3(ABCA4):c.3455G>A (p.Gly1152Asp)

Gene: ABCA4 (ATP binding cassette subfamily A member 4; minus strand). Cytogenetic location: 1p22.1.
Variant type: single nucleotide variant.
Coding change: c.3455G>A on transcript NM_000350.3 (MANE Select); coding-DNA position 3455, G replaced by A.
Protein change: p.Gly1152Asp; replaces glycine 1152 with aspartic acid.
Molecular consequence: missense variant.
Genome position (GRCh38, 1-based): chr1:94,041,276, C>T on the plus strand (G>A on the coding strand, the complement: ABCA4 is on the minus strand). VCF-style: chr1-94041276-C-T. GRCh37 (hg19) VCF-style: chr1-94506832-C-T.
Other names: c.3233G>A, p.Gly1078Asp (NM_001425324.1); short protein forms G1078D, G1152D.
Identifiers: ClinVar variation 5019373 (VCV005019373.2).

ClinVar aggregate classification (germline): Uncertain significance (1 of 4 stars; one submission).

Conditions:
Cone-rod dystrophy 3 (CORD3). Identifiers: Orphanet 1872, MedGen C1858806, MONDO:0011395, OMIM 604116.
Retinitis pigmentosa 19 (RP19). Also called: ABCA4-Related Retinitis Pigmentosa. Identifiers: Orphanet 791, MedGen C1866422, MONDO:0011137, OMIM 601718.
Age related macular degeneration 2. Also called: MACULAR DEGENERATION, SENILE; MACULOPATHY, AGE-RELATED, 2; MACULOPATHY, AGE-RELATED. Identifiers: MedGen C3495438, MONDO:0007932, OMIM 153800.
Severe early-childhood-onset retinal dystrophy (STGD1). Also called: Stargardt macular dystrophy; Juvenile onset macular degeneration; Stargardt disease 1; MACULAR DYSTROPHY WITH FLECKS, TYPE 1; STGD. Identifiers: Orphanet 364055, Orphanet 827, MedGen C1855465, MeSH D000080362, MONDO:0009549, OMIM 248200.

Submission:

Juno Genomics, Hangzhou Juno Genomics, Inc
Classification: Uncertain significance for Retinitis pigmentosa 19; Severe early-childhood-onset retinal dystrophy; Age related macular degeneration 2; Cone-rod dystrophy 3. Review status: criteria provided, single submitter. Criteria: ACMG Guidelines, 2015. Collection method: clinical testing. Allele origin: germline.
Comment: Absent from controls (or at extremely low frequency if recessive) in Genome Aggregation Database.;Multiple lines of computational evidence support a deleterious effect on the gene or gene product.